The following is an entry in ClinVar:

NM_015021.3(ZNF292):c.5298G>C (p.Met1766Ile)

Gene: ZNF292 (zinc finger protein 292; plus strand). Cytogenetic location: 6q14.3.
Variant type: single nucleotide variant.
Coding change: c.5298G>C on transcript NM_015021.3 (MANE Select); coding-DNA position 5298, G replaced by C.
Protein change: p.Met1766Ile; replaces methionine 1766 with isoleucine.
Molecular consequence: missense variant.
Genome position (GRCh38, 1-based): chr6:87,258,927, G>C. VCF-style: chr6-87258927-G-C. GRCh37 (hg19) VCF-style: chr6-87968645-G-C.
Other names: c.4878G>C, p.Met1626Ile (NM_001351444.2); short protein forms M1626I, M1766I.
Identifiers: ClinVar variation 3365484 (VCV003365484.1).

ClinVar aggregate classification (germline): Uncertain significance (1 of 4 stars; one submission).

Submission:

GeneDx
Classification: Uncertain significance. Last evaluated: 2023-12-09. Review status: criteria provided, single submitter. Criteria: GeneDx Variant Classification Process June 2021. Collection method: clinical testing. Allele origin: germline. Affected: yes.
Comment: Not observed at significant frequency in large population cohorts (gnomAD); In silico analysis supports that this missense variant does not alter protein structure/function; Has not been previously published as pathogenic or benign to our knowledge